The following is an entry in ClinVar:

NM_000179.3(MSH6):c.219C>T (p.Asn73=)

Gene: MSH6 (mutS homolog 6; plus strand). Cytogenetic location: 2p16.3.
Variant type: single nucleotide variant.
Coding change: c.219C>T on transcript NM_000179.3 (MANE Select); coding-DNA position 219, C replaced by T.
Protein change: p.Asn73=; no amino-acid change (asparagine 73 retained).
Molecular consequence: synonymous variant. On other transcripts: 5 prime UTR variant (1).
Genome position (GRCh38, 1-based): chr2:47,783,452, C>T. VCF-style: chr2-47783452-C-T. GRCh37 (hg19) VCF-style: chr2-48010591-C-T.
Other names: c.219C>T, p.Asn73= (NM_001281492.2); c.-518C>T (NM_001281493.2).
Identifiers: ClinVar variation 416171 (VCV000416171.19), dbSNP rs1060504756, ClinGen allele CA16611079.
Genomic context (GRCh38, chr2:47,783,452, plus strand): 5'-TGGGCCTGGGCCCAGGCCCTTGGCGCGCTCCGCGTCACCGCCCAAGGCGAAGAACCTCAA[C>T]GGAGGGCTGCGGAGATCGGTAGCGCCTGCTGCCCCCACCAGGTAGCGGGGTGGGGGTGGG-3'
Protein context (NP_000170.1, residues 63-83): SASPPKAKNL[Asn73=]GGLRRSVAPA

ClinVar aggregate classification (germline): Benign/Likely benign. Review status: criteria provided, multiple submitters, no conflicts (2 of 4 stars). 4 submissions from 4 submitters: Benign (1); Likely benign (3). Last evaluated 2025-12-22.

Conditions:
Hereditary nonpolyposis colorectal neoplasms. Identifiers: MedGen C0009405, MeSH D003123.
Lynch syndrome 5 (LYNCH5). Also called: Colorectal cancer, hereditary nonpolyposis, type 5; Hereditary non-polyposis colorectal cancer, type 5. Identifiers: Orphanet 144, MedGen C1833477, MONDO:0013710, OMIM 614350. Disease mechanism: loss of function.
Hereditary cancer-predisposing syndrome. Also called: Tumor predisposition; Neoplastic Syndromes, Hereditary; Hereditary neoplastic syndrome; Hereditary Cancer Syndrome. Identifiers: Orphanet 140162, MedGen C0027672, MeSH D009386, MONDO:0015356.

Allele frequency attached by ClinVar (database versions not stated): gnomAD exomes below 0.00001; TOPMed 0.00002.
gnomAD v4.1: 5 of 1,465,040 alleles (0.00034%); highest among the groups gnomAD compares: Admixed American, 0.0027%; no homozygotes.

Submissions (4):

Labcorp Genetics (formerly Invitae), Labcorp
Classification: Likely benign for Hereditary nonpolyposis colorectal neoplasms. Last evaluated: 2025-12-22. Review status: criteria provided, single submitter. Criteria: Invitae Variant Classification Sherloc (09022015). Collection method: clinical testing. Allele origin: germline.

Myriad Genetics, Inc.
Classification: Benign for Lynch syndrome 5. Last evaluated: 2024-12-17. Review status: criteria provided, single submitter. Criteria: Myriad Autosomal Dominant, Autosomal Recessive and X-Linked Classification Criteria (2023). Collection method: clinical testing. Allele origin: unknown.
Comment: This variant is considered benign. This variant is a silent/synonymous amino acid change and it is not expected to impact splicing.

Ambry Genetics
Classification: Likely benign for Hereditary cancer-predisposing syndrome. Last evaluated: 2018-03-23. Review status: criteria provided, single submitter. Criteria: Ambry Variant Classification Scheme 2023. Collection method: clinical testing. Allele origin: germline.

Color Diagnostics, LLC DBA Color Health
Classification: Likely benign for Hereditary cancer-predisposing syndrome. Last evaluated: 2016-04-19. Review status: criteria provided, single submitter. Criteria: ACMG Guidelines, 2015. Collection method: clinical testing. Allele origin: germline.